The following is an entry in ClinVar:

NM_000562.3(C8A):c.1336T>G (p.Trp446Gly)

Gene: C8A (complement C8 alpha chain; plus strand). Cytogenetic location: 1p32.2.
Variant type: single nucleotide variant.
Coding change: c.1336T>G on transcript NM_000562.3 (MANE Select); coding-DNA position 1336, T replaced by G.
Protein change: p.Trp446Gly; replaces tryptophan 446 with glycine.
Molecular consequence: missense variant.
Genome position (GRCh38, 1-based): chr1:56,908,069, T>G. VCF-style: chr1-56908069-T-G. GRCh37 (hg19) VCF-style: chr1-57373742-T-G.
Other names: short protein forms W446G.
Identifiers: ClinVar variation 1409639 (VCV001409639.8), dbSNP rs147281350, ClinGen allele CA22838975.

ClinVar aggregate classification (germline): Uncertain significance (1 of 4 stars; one submission).

gnomAD v4.1: 15 of 1,614,156 alleles (0.00093%); highest among the groups gnomAD compares: South Asian, 0.0033%; no homozygotes.

Submission:

Labcorp Genetics (formerly Invitae), Labcorp
Classification: Uncertain significance. Last evaluated: 2022-07-19. Review status: criteria provided, single submitter. Criteria: Invitae Variant Classification Sherloc (09022015). Collection method: clinical testing. Allele origin: germline.
Comment: ClinVar contains an entry for this variant (Variation ID: 1409639). This missense change has been observed in individual(s) with very early onset inflammatory bowel disease (PMID: 26193622). This variant is present in population databases (no rsID available, gnomAD 0.003%). This sequence change replaces tryptophan, which is neutral and slightly polar, with glycine, which is neutral and non-polar, at codon 446 of the C8A protein (p.Trp446Gly). Algorithms developed to predict the effect of missense changes on protein structure and function (SIFT, PolyPhen-2, Align-GVGD) all suggest that this variant is likely to be disruptive. In summary, the available evidence is currently insufficient to determine the role of this variant in disease. Therefore, it has been classified as a Variant of Uncertain Significance.

Literature cited by the submitters: PubMed 26193622.